The following is an entry in ClinVar:

NM_205768.3(ZBTB18):c.1012del (p.Glu338fs)

Gene: ZBTB18 (zinc finger and BTB domain containing 18; plus strand). Cytogenetic location: 1q44.
Variant type: Deletion.
Coding change: c.1012del on transcript NM_205768.3 (MANE Select); coding-DNA position 1012, one base deleted (G; older notation c.1012delG).
Protein change: p.Glu338fs; shifts the reading frame from glutamic acid 338.
Molecular consequence: frameshift variant. On other transcripts: 3 prime UTR variant (1).
Genome position (GRCh38, 1-based): chr1:244,054,786, G deleted; the last of 3 consecutive G bases (chr1:244,054,784-244,054,786); deleting any one gives the same sequence. VCF-style (leftmost placement, unchanged base first): chr1-244054783-CG-C. GRCh37 (hg19) VCF-style: chr1-244218085-CG-C.
Other names: c.985del, p.Glu329fs (NM_001278196.2, NM_006352.5); c.*189del (NM_001421566.1); short protein forms E338fs, E329fs.
Identifiers: ClinVar variation 2744125 (VCV002744125.3), dbSNP rs2527559024, ClinGen allele CA2697547796.

ClinVar aggregate classification (germline): Pathogenic (1 of 4 stars; one submission).

Submission:

Labcorp Genetics (formerly Invitae), Labcorp
Classification: Pathogenic. Last evaluated: 2023-07-17. Review status: criteria provided, single submitter. Criteria: Invitae Variant Classification Sherloc (09022015). Collection method: clinical testing. Allele origin: germline.
Comment: This sequence change creates a premature translational stop signal (p.Glu338Argfs*9) in the ZBTB18 gene. While this is not anticipated to result in nonsense mediated decay, it is expected to disrupt the last 194 amino acid(s) of the ZBTB18 protein. This variant is not present in population databases (gnomAD no frequency). This variant has not been reported in the literature in individuals affected with ZBTB18-related conditions. This variant disrupts a region of the ZBTB18 protein in which other variant(s) (p.His469Arg) have been determined to be pathogenic (Invitae). This suggests that this is a clinically significant region of the protein, and that variants that disrupt it are likely to be disease-causing. For these reasons, this variant has been classified as Pathogenic.